The following is an entry in ClinVar:

ClinVar aggregate classification (germline): Benign (1 of 4 stars; one submission).

Allele frequency attached by ClinVar (database versions not stated): 1000 Genomes Project 30x 0.03998; 1000 Genomes Project 0.04034; gnomAD 0.06037 and 0.06130; TOPMed 0.06272.
gnomAD v4.1: 9,291 of 151,830 alleles (6.1%); highest among the groups gnomAD compares: Middle Eastern, 9.5%; 355 homozygotes.

Submission:

GeneDx
Classification: Benign. Last evaluated: 2018-06-19. Review status: criteria provided, single submitter. Criteria: GeneDx Variant Classification (06012015). Collection method: clinical testing. Allele origin: germline. Affected: yes.
Comment: This variant is considered likely benign or benign based on one or more of the following criteria: it is a conservative change, it occurs at a poorly conserved position in the protein, it is predicted to be benign by multiple in silico algorithms, and/or has population frequency not consistent with disease.

NM_014252.4(SLC25A15):c.781+154G>A

Gene: SLC25A15 (solute carrier family 25 member 15; plus strand). Cytogenetic location: 13q14.11.
Variant type: single nucleotide variant.
Coding change: c.781+154G>A on transcript NM_014252.4 (MANE Select); 154 bases into the intron after coding-DNA position 781, G replaced by A.
Molecular consequence: intron variant.
Genome position (GRCh38, 1-based): chr13:40,808,750, G>A. VCF-style: chr13-40808750-G-A. GRCh37 (hg19) VCF-style: chr13-41382886-G-A.
Identifiers: ClinVar variation 674052 (VCV000674052.1), dbSNP rs138571176, ClinGen allele CA248381212.